The following is an entry in ClinVar:

NM_000059.4(BRCA2):c.4822G>T (p.Glu1608Ter)

Gene: BRCA2 (BRCA2 DNA repair associated; plus strand). Cytogenetic location: 13q13.1.
Variant type: single nucleotide variant.
Coding change: c.4822G>T on transcript NM_000059.4 (MANE Select); coding-DNA position 4822, G replaced by T.
Protein change: p.Glu1608Ter; replaces glutamic acid 1608 with a stop codon.
Molecular consequence: nonsense.
Genome position (GRCh38, 1-based): chr13:32,339,177, G>T. VCF-style: chr13-32339177-G-T. GRCh37 (hg19) VCF-style: chr13-32913314-G-T.
Other names: short protein forms E1608*.
Identifiers: ClinVar variation 632719 (VCV000632719.22), dbSNP rs1566231194, ClinGen allele CA387783300.
Genomic context (GRCh38, chr13:32,339,177, plus strand): 5'-GCCCCAAAGTGTAAAGAAATGCAGAATTCTCTCAATAATGATAAAAACCTTGTTTCTATT[G>T]AGACTGTGGTGCCACCTAAGCTCTTAAGTGATAATTTATGTAGACAAACTGAAAATCTCA-3'

ClinVar aggregate classification (germline): Likely pathogenic. Review status: criteria provided, single submitter (1 of 4 stars). 2 submissions from 2 submitters: Likely pathogenic (1). 1 of the submissions does not count toward it. Last evaluated 2020-10-02.

Conditions:
Hereditary breast ovarian cancer syndrome. Also called: Hereditary breast and ovarian cancer syndrome; Hereditary breast and ovarian cancer; Hereditary breast and ovarian cancer syndrome (HBOC); Breast and ovarian cancer; Hereditary breast and/or ovarian cancer syndrome; BRCA1- and BRCA2-Associated Hereditary Breast and Ovarian Cancer. Identifiers: Orphanet 145, MedGen C0677776, MeSH D061325, MONDO:0003582. Disease mechanism: loss of function.
Gastric cancer. Also called: Malignant tumor of stomach; Stomach cancer. Identifiers: MedGen C0024623, MeSH D013274, MONDO:0001056, OMIM 613659, HP:0012126.

Allele frequency attached by ClinVar (database versions not stated): gnomAD exomes below 0.00001.
gnomAD v4.1: 1 of 1,613,806 alleles (0.000062%); highest among the groups gnomAD compares: East Asian, 0.0022%; no homozygotes.

Submissions (2):

Women's Health and Genetics/Laboratory Corporation of America, LabCorp
Classification: Likely pathogenic for Hereditary breast and ovarian cancer syndrome. Last evaluated: 2020-10-02. Review status: criteria provided, single submitter. Criteria: LabCorp Variant Classification Summary - May 2015. Collection method: clinical testing. Allele origin: germline.
Comment: Variant summary: BRCA2 c.4822G>T (p.Glu1608X) results in a premature termination codon, predicted to cause a truncation of the encoded protein or absence of the protein due to nonsense mediated decay, which are commonly known mechanisms for disease. Truncations downstream of this position have been classified as pathogenic by our laboratory. The variant was absent in 250098 control chromosomes. To our knowledge, no experimental evidence demonstrating an impact on protein function has been reported. No other clinical diagnostic laboratories have submitted clinical-significance assessments for this variant to ClinVar after 2014. Based on the evidence outlined above, the variant was classified as likely pathogenic.

Laboratory for Genotyping Development, RIKEN
Classification: Pathogenic for Gastric cancer. Last evaluated: 2021-07-01. Review status: no assertion criteria provided. Collection method: research. Allele origin: germline. Not counted in ClinVar's aggregate classification.

Literature cited by the submitters: PubMed 30287823 (cited by Women's Health and Genetics/Laboratory Corporation of America, LabCorp); PubMed 36988593 (cited by Laboratory for Genotyping Development, RIKEN).